The following is an entry in ClinVar:

NM_021625.5(TRPV4):c.290C>G (p.Pro97Arg)

Gene: TRPV4 (transient receptor potential cation channel subfamily V member 4; minus strand). Cytogenetic location: 12q24.11.
Variant type: single nucleotide variant.
Coding change: c.290C>G on transcript NM_021625.5 (MANE Select); coding-DNA position 290, C replaced by G.
Protein change: p.Pro97Arg; replaces proline 97 with arginine.
Molecular consequence: missense variant.
Genome position (GRCh38, 1-based): chr12:109,814,507, G>C on the plus strand (C>G on the coding strand, the complement: TRPV4 is on the minus strand). VCF-style: chr12-109814507-G-C. GRCh37 (hg19) VCF-style: chr12-110252312-G-C.
Other names: c.290C>G, p.Pro97Arg (NM_001177428.2, NM_001177433.2, NM_147204.3); c.188C>G, p.Pro63Arg (NM_001177431.2); short protein forms P63R, P97R.
Identifiers: ClinVar variation 234619 (VCV000234619.4), dbSNP rs876661124, ClinGen allele CA10577435.

ClinVar aggregate classification (germline): Pathogenic. Review status: criteria provided, single submitter (1 of 4 stars). 2 submissions from 2 submitters: Pathogenic (1). 1 of the submissions does not count toward it. Last evaluated 2024-11-25.

Conditions:
Neuronopathy, distal hereditary motor, autosomal dominant. Also called: Autosomal dominant distal hereditary motor neuropathy. Identifiers: Orphanet 140465, MedGen C5548212, MONDO:0015362.

Submissions (2):

GeneDx
Classification: Pathogenic. Last evaluated: 2024-11-25. Review status: criteria provided, single submitter. Criteria: GeneDx Variant Classification Process June 2021. Collection method: clinical testing. Allele origin: germline. Affected: yes.
Comment: Published functional studies demonstrate a damaging effect on ion channel function (PMID: 39021275); Not observed at significant frequency in large population cohorts (gnomAD); In silico analysis indicates that this missense variant does not alter protein structure/function; This variant is associated with the following publications: (PMID: 22526352, 36210150, 39021275)

Inherited Neuropathy Consortium
Classification: Uncertain significance for Autosomal dominant distal hereditary motor neuropathy. Review status: no assertion criteria provided. Collection method: literature only. Allele origin: germline. Affected: yes. Not counted in ClinVar's aggregate classification.

Literature cited by the submitters: PubMed 22526352 (cited by Inherited Neuropathy Consortium).